The following is an entry in ClinVar:

NM_000257.4(MYH7):c.5560-6C>T

Gene: MYH7 (myosin heavy chain 7; minus strand). Cytogenetic location: 14q11.2.
Variant type: single nucleotide variant.
Coding change: c.5560-6C>T on transcript NM_000257.4 (MANE Select); 6 bases into the intron before coding-DNA position 5560, C replaced by T.
Molecular consequence: intron variant.
Genome position (GRCh38, 1-based): chr14:23,414,108, G>A on the plus strand (C>T on the coding strand, the complement: MYH7 is on the minus strand). VCF-style: chr14-23414108-G-A. GRCh37 (hg19) VCF-style: chr14-23883317-G-A.
Identifiers: ClinVar variation 793163 (VCV000793163.33), dbSNP rs767956231, ClinGen allele CA047508.
Genomic context (GRCh38, chr14:23,414,108, plus strand): 5'-GCAGCTTGTCTACCAGGTCCTGCAGCCGCAGCAGGTTTTTCCTGTCCTCCTCCGTCTGGG[G>A]GCCAGAGGGTAGGCAGGGGGTGAAGATGGCACAGTCATAGAAGGTAGCATCCCCTCCGCC-3'

ClinVar aggregate classification (germline): Likely benign. Review status: criteria provided, multiple submitters, no conflicts (2 of 4 stars). 4 submissions from 4 submitters: Likely benign (4). Last evaluated 2024-03-01.

Conditions:
Cardiomyopathy (CMYO). Also called: Cardiomyopathies. Identifiers: Orphanet 167848, MedGen C0878544, MONDO:0004994, HP:0001638. Inheritance: Various modes of inheritance.
Hypertrophic cardiomyopathy. Also called: HYPERTROPHIC MYOCARDIOPATHY. Identifiers: Orphanet 217569, MedGen C0007194, MeSH D002312, MONDO:0005045, HP:0001639.

Allele frequency attached by ClinVar (database versions not stated): gnomAD exomes below 0.00001 and 0.00001; gnomAD 0.00001; TOPMed 0.00001; ExAC 0.00002.
gnomAD v4.1: 4 of 1,611,180 alleles (0.00025%); highest among the groups gnomAD compares: East Asian, 0.0067%; no homozygotes.

Submissions (4):

CeGaT Center for Human Genetics Tuebingen
Classification: Likely benign. Last evaluated: 2024-03-01. Review status: criteria provided, single submitter. Criteria: CeGaT Center For Human Genetics Tuebingen Variant Classification Criteria Version 2. Collection method: clinical testing. Allele origin: germline. Affected: yes. Observed: 1 variant allele.
Comment: MYH7: BP4

Labcorp Genetics (formerly Invitae), Labcorp
Classification: Likely benign for Hypertrophic cardiomyopathy. Last evaluated: 2022-09-18. Review status: criteria provided, single submitter. Criteria: Invitae Variant Classification Sherloc (09022015). Collection method: clinical testing. Allele origin: germline.

GeneDx
Classification: Likely benign. Last evaluated: 2021-06-23. Review status: criteria provided, single submitter. Criteria: GeneDx Variant Classification Process June 2021. Collection method: clinical testing. Allele origin: germline. Affected: yes.

Color Diagnostics, LLC DBA Color Health
Classification: Likely benign for Cardiomyopathy. Last evaluated: 2019-12-17. Review status: criteria provided, single submitter. Criteria: ACMG Guidelines, 2015. Collection method: clinical testing. Allele origin: germline.